The following is an entry in ClinVar:

NM_006270.5(RRAS):c.182C>A (p.Thr61Asn)

Gene: RRAS (RAS related; minus strand). Cytogenetic location: 19q13.33.
Variant type: single nucleotide variant.
Coding change: c.182C>A on transcript NM_006270.5 (MANE Select); coding-DNA position 182, C replaced by A.
Protein change: p.Thr61Asn; replaces threonine 61 with asparagine.
Molecular consequence: missense variant.
Genome position (GRCh38, 1-based): chr19:49,637,102, G>T on the plus strand (C>A on the coding strand, the complement: RRAS is on the minus strand). VCF-style: chr19-49637102-G-T. GRCh37 (hg19) VCF-style: chr19-50140359-G-T.
Other names: short protein forms T61N.
Identifiers: ClinVar variation 2698124 (VCV002698124.3), dbSNP rs2513707043, ClinGen allele CA406848092.

ClinVar aggregate classification (germline): Uncertain significance (1 of 4 stars; one submission).

Conditions:
Noonan syndrome (NS). Also called: Noonan's syndrome. Identifiers: Orphanet 648, MedGen C0028326, MeSH D009634, MONDO:0018997. Disease mechanism: gain of function.

Submission:

Labcorp Genetics (formerly Invitae), Labcorp
Classification: Uncertain significance for Noonan syndrome. Last evaluated: 2023-11-22. Review status: criteria provided, single submitter. Criteria: Invitae Variant Classification Sherloc (09022015). Collection method: clinical testing. Allele origin: germline.
Comment: This sequence change replaces threonine, which is neutral and polar, with asparagine, which is neutral and polar, at codon 61 of the RRAS protein (p.Thr61Asn). This variant is not present in population databases (gnomAD no frequency). This variant has not been reported in the literature in individuals affected with RRAS-related conditions. An algorithm developed to predict the effect of missense changes on protein structure and function (PolyPhen-2) suggests that this variant is likely to be disruptive. In summary, the available evidence is currently insufficient to determine the role of this variant in disease. Therefore, it has been classified as a Variant of Uncertain Significance.